The following is an entry in ClinVar:

ClinVar aggregate classification (germline): Conflicting classifications of pathogenicity. Review status: criteria provided, conflicting classifications (1 of 4 stars). 2 submissions from 2 submitters: Uncertain significance (1); Likely benign (1). Last evaluated 2026-06-09.

Conditions:
NPHP4-related disorder. Also called: NPHP4-related disorders; NPHP4-related condition. Identifiers: MedGen CN239384.
Inborn genetic diseases. Identifiers: MedGen C0950123, MeSH D030342.

gnomAD v4.1: 4 of 1,612,444 alleles (0.00025%); highest among the groups gnomAD compares: Non-Finnish European, 0.00034%; no homozygotes.

Submissions (2):

PreventionGenetics, part of Exact Sciences
Classification: Uncertain significance for NPHP4-related condition. Last evaluated: 2026-06-09. Review status: criteria provided, single submitter. Criteria: ACMG Guidelines, 2015. Collection method: clinical testing. Allele origin: germline.
Comment: The NPHP4 c.1409G>A variant is predicted to result in the amino acid substitution p.Arg470Gln. To our knowledge, this variant has not been reported in the literature. Glutamine is found in many vertebrates including primates at this position, suggesting it might be tolerated. This variant is reported in 0.00089% of alleles in individuals of European (Non-Finnish) descent in gnomAD. At this time, the clinical significance of this variant is uncertain due to the absence of conclusive functional and genetic evidence.

Ambry Genetics
Classification: Likely benign for Inborn genetic diseases. Last evaluated: 2025-08-22. Review status: criteria provided, single submitter. Criteria: Ambry Variant Classification Scheme 2023. Collection method: clinical testing. Allele origin: germline.

NM_015102.5(NPHP4):c.1409G>A (p.Arg470Gln)

Gene: NPHP4 (nephrocystin 4; minus strand). Cytogenetic location: 1p36.31.
Variant type: single nucleotide variant.
Coding change: c.1409G>A on transcript NM_015102.5 (MANE Select); coding-DNA position 1409, G replaced by A.
Protein change: p.Arg470Gln; replaces arginine 470 with glutamine.
Molecular consequence: missense variant. On other transcripts: non-coding transcript variant (1).
Genome position (GRCh38, 1-based): chr1:5,927,681, C>T on the plus strand (G>A on the coding strand, the complement: NPHP4 is on the minus strand). VCF-style: chr1-5927681-C-T. GRCh37 (hg19) VCF-style: chr1-5987741-C-T.
Other names: c.43G>A, p.Gly15Ser (NM_001291593.2, NM_001291594.2); c.1409G>A (NM_015102.4); short protein forms G15S, R470Q.
Identifiers: ClinVar variation 4122106 (VCV004122106.2).
Genomic context (GRCh38, chr1:5,927,681, plus strand): 5'-GGCCAGTCAGCTCTCTGGAAACACTTACTCGAAGGGGACGTGGGTGGTTTCCTGGAAGGC[C>T]GCCGCTCCACTTTGGGGCCACTGACAGGCTCCGTGGGTGCATCCAGGTGTTCTTCTGAGC-3'
Protein context (NP_055917.1, residues 460-480): EPVSGPKVER[Arg470Gln]PSRKPPTSPS